The following is an entry in ClinVar:

ClinVar aggregate classification (germline): Likely benign (1 of 4 stars; one submission).

Allele frequency attached by ClinVar (database versions not stated): gnomAD exomes 0.00001; ExAC 0.00002; gnomAD 0.00002; TOPMed 0.00004.
gnomAD v4.1: 39 of 1,613,500 alleles (0.0024%); highest among the groups gnomAD compares: Middle Eastern, 0.033%; 1 homozygote.

Submission:

CeGaT Center for Human Genetics Tuebingen
Classification: Likely benign. Last evaluated: 2025-10-01. Review status: criteria provided, single submitter. Criteria: CeGaT Center For Human Genetics Tuebingen Variant Classification Criteria Version 2. Collection method: clinical testing. Allele origin: germline. Affected: yes. Observed: 2 variant alleles.
Comment: MAB21L1: BP4, BP7

NM_005584.5(MAB21L1):c.531C>T (p.Thr177=)

Genes: MAB21L1 (mab-21 like 1; minus strand), NBEA (neurobeachin; plus strand). Cytogenetic location: 13q13.3.
Variant type: single nucleotide variant.
Coding change: c.531C>T on transcript NM_005584.5 (MANE Select); coding-DNA position 531, C replaced by T.
Protein change: p.Thr177=; no amino-acid change (threonine 177 retained).
Molecular consequence: synonymous variant. On other transcripts: intron variant (3).
Genome position (GRCh38, 1-based): chr13:35,475,608, G>A on the plus strand (C>T on the coding strand, the complement: MAB21L1 is on the minus strand). VCF-style: chr13-35475608-G-A. GRCh37 (hg19) VCF-style: chr13-36049745-G-A.
Other names: c.6585+3072G>A (NM_001385012.1, NM_015678.5); c.6576+3072G>A (NM_001379245.1).
Identifiers: ClinVar variation 3250701 (VCV003250701.18), dbSNP rs146823976.